The following is an entry in ClinVar:

ClinVar aggregate classification (germline): Pathogenic. Review status: criteria provided, multiple submitters, no conflicts (2 of 4 stars). 3 submissions from 3 submitters: Pathogenic (3). Last evaluated 2022-08-04.

Conditions:
Melanoma-pancreatic cancer syndrome. Identifiers: Orphanet 404560, MedGen C1838547, MONDO:0011713, OMIM 606719. Disease mechanism: loss of function.
Familial melanoma. Also called: Hereditary melanoma; Hereditary cutaneous melanoma. Identifiers: Orphanet 618, MedGen C1512419, MONDO:0018961.
CDKN2A-related disorder. Also called: CDKN2A-related condition.

Submissions (12):

Labcorp Genetics (formerly Invitae), Labcorp
Classification: Pathogenic for Familial melanoma. Last evaluated: 2022-08-04. Review status: criteria provided, single submitter. Criteria: Invitae Variant Classification Sherloc (09022015). Collection method: clinical testing. Allele origin: germline.
Comment: ClinVar contains an entry for this variant (Variation ID: 635365). For these reasons, this variant has been classified as Pathogenic. The evidence indicates that this variant confers risk of developing CDKN2A (p16INK4a) and CDKN2A (p14ARF)-associated conditions. Studies have shown that disruption of this splice site results in skipping of exon 2, in both p16INK4a and p14ARF, and introduces a premature termination codon (PMID: 11433531, 12920094). The resulting mRNA is expected to undergo nonsense-mediated decay. This variant is also known as IVS1-1G>A in CDKN2A (p16INK4a) transcript and c.194-1G>A in CDKN2A (p14ARF) transcript. Disruption of this splice site has been observed in individual(s) with clinical features of melanoma-NST syndrome (PMID: 11433531, 12920094, 17167857, 26876133). It has also been observed to segregate with disease in related individuals. This variant is not present in population databases (gnomAD no frequency). This sequence change affects an acceptor splice site in intron 1 of the CDKN2A (p16INK4a) gene. RNA analysis indicates that disruption of this splice site induces altered splicing and may result in an absent or disrupted protein product. The CDKN2A gene encodes two different proteins, p16INK4a and p14ARF, which are translated from alternative transcripts with different open reading frames. Both transcripts have been analyzed. We report either the variant with the higher classification or default to the CDKN2A (p16INK4a) variant. This report therefore includes the details for the CDKN2A (p16INK4a) variant.

Blueprint Genetics
Classification: Pathogenic for CDKN2A-related disorders. Last evaluated: 2022-07-11. Review status: criteria provided, single submitter. Criteria: ACMG Guidelines, 2015. Collection method: clinical testing. Allele origin: germline. Affected: yes. Observed: 1 variant allele.

Department of Molecular Diagnostics, Institute of Oncology Ljubljana
Classification: Pathogenic for Melanoma-pancreatic cancer syndrome. Last evaluated: 2020-04-02. Review status: criteria provided, single submitter. Criteria: ACMG Guidelines, 2015. Collection method: clinical testing. Allele origin: germline. Affected: yes.

Dr. Peter K. Rogan Lab, Western University
No classification provided (evidence only). Condition: Malignant tumor of urinary bladder. Review status: no classification provided. Collection method: in vitro. Allele origin: not applicable. Functional consequence: skipped exon, retained intron. Not counted in ClinVar's aggregate classification.

Dr. Peter K. Rogan Lab, Western University
No classification provided (evidence only). Condition: Melanoma. Review status: no classification provided. Collection method: in vitro. Allele origin: not applicable. Functional consequence: skipped exon, retained intron. Not counted in ClinVar's aggregate classification.

Dr. Peter K. Rogan Lab, Western University
No classification provided (evidence only). Condition: Melanoma. Review status: no classification provided. Collection method: in vitro. Allele origin: not applicable. Functional consequence: skipped exon, retained intron. Not counted in ClinVar's aggregate classification.

Dr. Peter K. Rogan Lab, Western University
No classification provided (evidence only). Condition: Squamous cell carcinoma of the head and neck. Review status: no classification provided. Collection method: in vitro. Allele origin: not applicable. Functional consequence: skipped exon, retained intron. Not counted in ClinVar's aggregate classification.

Dr. Peter K. Rogan Lab, Western University
No classification provided (evidence only). Condition: Squamous cell lung carcinoma. Review status: no classification provided. Collection method: in vitro. Allele origin: not applicable. Functional consequence: skipped exon. Not counted in ClinVar's aggregate classification.

Dr. Peter K. Rogan Lab, Western University
No classification provided (evidence only). Condition: Squamous cell lung carcinoma. Review status: no classification provided. Collection method: in vitro. Allele origin: not applicable. Functional consequence: skipped exon, retained intron. Not counted in ClinVar's aggregate classification.

Dr. Peter K. Rogan Lab, Western University
No classification provided (evidence only). Condition: Malignant tumor of esophagus. Review status: no classification provided. Collection method: in vitro. Allele origin: not applicable. Functional consequence: skipped exon, retained intron. Not counted in ClinVar's aggregate classification.

Dr. Peter K. Rogan Lab, Western University
No classification provided (evidence only). Condition: Lymphoma. Review status: no classification provided. Collection method: in vitro. Allele origin: not applicable. Functional consequence: skipped exon, retained intron. Not counted in ClinVar's aggregate classification.

MutSpliceDB: a database of splice sites variants effects on splicing, NIH
No classification provided (evidence only). Review status: no classification provided. Collection method: in vitro. Allele origin: not applicable. Functional consequence: retained intron. Not counted in ClinVar's aggregate classification.

Literature cited by the submitters: PubMed 11433531 (cited by Labcorp Genetics (formerly Invitae), Labcorp); PubMed 12920094 (cited by Labcorp Genetics (formerly Invitae), Labcorp); PubMed 17167857 (cited by Labcorp Genetics (formerly Invitae), Labcorp); PubMed 26876133 (cited by Labcorp Genetics (formerly Invitae), Labcorp).

NM_000077.5(CDKN2A):c.151-1G>A

Gene: CDKN2A (cyclin dependent kinase inhibitor 2A; minus strand). Cytogenetic location: 9p21.3.
Variant type: single nucleotide variant.
Coding change: c.151-1G>A on transcript NM_000077.5 (MANE Select); the canonical splice acceptor site of the intron before coding-DNA position 151, G replaced by A.
Molecular consequence: splice acceptor variant.
Genome position (GRCh38, 1-based): chr9:21,971,209, C>T on the plus strand (G>A on the coding strand, the complement: CDKN2A is on the minus strand). VCF-style: chr9-21971209-C-T. GRCh37 (hg19) VCF-style: chr9-21971208-C-T.
Other names: c.-3-1G>A (NM_001363763.2); c.194-1G>A (NM_058195.4); c.151-1G>A (NM_001195132.2); c.*74-1G>A (NM_058197.5).
Identifiers: ClinVar variation 635365 (VCV000635365.12), dbSNP rs730881677, ClinGen allele CA373086462.